The following is an entry in ClinVar:

NM_016038.4(SBDS):c.650T>C (p.Phe217Ser)

Gene: SBDS (SBDS ribosome maturation factor; minus strand). Cytogenetic location: 7q11.21.
Variant type: single nucleotide variant.
Coding change: c.650T>C on transcript NM_016038.4 (MANE Select); coding-DNA position 650, T replaced by C.
Protein change: p.Phe217Ser; replaces phenylalanine 217 with serine.
Molecular consequence: missense variant.
Genome position (GRCh38, 1-based): chr7:66,988,474, A>G on the plus strand (T>C on the coding strand, the complement: SBDS is on the minus strand). VCF-style: chr7-66988474-A-G. GRCh37 (hg19) VCF-style: chr7-66453461-A-G.
Other names: short protein forms F217S.
Identifiers: ClinVar variation 4159826 (VCV004159826.1).

ClinVar aggregate classification (germline): Uncertain significance (1 of 4 stars; one submission).

Conditions:
Inborn genetic diseases. Identifiers: MedGen C0950123, MeSH D030342.

gnomAD v4.1: 1 of 1,613,830 alleles (0.000062%); highest among the groups gnomAD compares: Admixed American, 0.0017%; no homozygotes.

Submission:

Ambry Genetics
Classification: Uncertain significance for Inborn genetic diseases. Last evaluated: 2025-08-20. Review status: criteria provided, single submitter. Criteria: Ambry Variant Classification Scheme 2023. Collection method: clinical testing. Allele origin: germline.
Comment: The p.F217S variant (also known as c.650T>C), located in coding exon 5 of the SBDS gene, results from a T to C substitution at nucleotide position 650. The phenylalanine at codon 217 is replaced by serine, an amino acid with highly dissimilar properties. This amino acid position is conserved. In addition, this alteration is predicted to be deleterious by in silico analysis. Based on the available evidence, the clinical significance of this variant remains unclear.